The following is an entry in ClinVar:

NM_000393.5(COL5A2):c.3260C>G (p.Thr1087Ser)

Gene: COL5A2 (collagen type V alpha 2 chain; minus strand). Cytogenetic location: 2q32.2.
Variant type: single nucleotide variant.
Coding change: c.3260C>G on transcript NM_000393.5 (MANE Select); coding-DNA position 3260, C replaced by G.
Protein change: p.Thr1087Ser; replaces threonine 1087 with serine.
Molecular consequence: missense variant.
Genome position (GRCh38, 1-based): chr2:189,045,849, G>C on the plus strand (C>G on the coding strand, the complement: COL5A2 is on the minus strand). VCF-style: chr2-189045849-G-C. GRCh37 (hg19) VCF-style: chr2-189910575-G-C.
Other names: short protein forms T1087S.
Identifiers: ClinVar variation 2722920 (VCV002722920.3), dbSNP rs1235942758, ClinGen allele CA349862567.

ClinVar aggregate classification (germline): Uncertain significance (1 of 4 stars; one submission).

Conditions:
Ehlers-Danlos syndrome, classic type, 1 (EDSCL1). Also called: EHLERS-DANLOS SYNDROME, GRAVIS TYPE; EHLERS-DANLOS SYNDROME, SEVERE CLASSIC TYPE; Ehlers-Danlos syndrome, type 1; Ehlers-Danlos Syndrome, Classic Type, COL5A1-Related; EDS I. Identifiers: MedGen C0268335, MONDO:0019567, OMIM 130000.

Allele frequency attached by ClinVar (database versions not stated): TOPMed below 0.00001; gnomAD exomes below 0.00001.
gnomAD v4.1: 4 of 1,614,186 alleles (0.00025%); highest among the groups gnomAD compares: Middle Eastern, 0.066%; no homozygotes.

Submission:

Labcorp Genetics (formerly Invitae), Labcorp
Classification: Uncertain significance for Ehlers-Danlos syndrome, classic type, 1. Last evaluated: 2022-11-24. Review status: criteria provided, single submitter. Criteria: Invitae Variant Classification Sherloc (09022015). Collection method: clinical testing. Allele origin: germline.
Comment: In summary, the available evidence is currently insufficient to determine the role of this variant in disease. Therefore, it has been classified as a Variant of Uncertain Significance. Advanced modeling of protein sequence and biophysical properties (such as structural, functional, and spatial information, amino acid conservation, physicochemical variation, residue mobility, and thermodynamic stability) performed at Invitae indicates that this missense variant is not expected to disrupt COL5A2 protein function. This variant has not been reported in the literature in individuals affected with COL5A2-related conditions. This variant is present in population databases (no rsID available, gnomAD no frequency). This sequence change replaces threonine, which is neutral and polar, with serine, which is neutral and polar, at codon 1087 of the COL5A2 protein (p.Thr1087Ser).